The following is an entry in ClinVar:

NM_005324.5(H3-3B):c.365C>T (p.Pro122Leu)

Gene: H3-3B (H3.3 histone B; minus strand). Cytogenetic location: 17q25.1.
Variant type: single nucleotide variant.
Coding change: c.365C>T on transcript NM_005324.5 (MANE Select); coding-DNA position 365, C replaced by T.
Protein change: p.Pro122Leu; replaces proline 122 with leucine.
Molecular consequence: missense variant.
Genome position (GRCh38, 1-based): chr17:75,778,641, G>A on the plus strand (C>T on the coding strand, the complement: H3-3B is on the minus strand). VCF-style: chr17-75778641-G-A. GRCh37 (hg19) VCF-style: chr17-73774722-G-A.
Other names: c.365C>T (NM_005324.3); short protein forms P122L.
Identifiers: ClinVar variation 4293548 (VCV004293548.2).

ClinVar aggregate classification (germline): Likely pathogenic. Review status: criteria provided, multiple submitters, no conflicts (2 of 4 stars). 2 submissions from 2 submitters: Likely pathogenic (2). Last evaluated 2025-11-18.

Conditions:
Inborn genetic diseases. Identifiers: MedGen C0950123, MeSH D030342.
Bryant-Li-Bhoj neurodevelopmental syndrome 2 (BRYLIB2). Also called: H3-3B syndrome. Identifiers: MedGen C5676906, MONDO:0030607, OMIM 619721. Disease mechanism: loss of function.

Submissions (2):

Ambry Genetics
Classification: Likely pathogenic for Inborn genetic diseases. Last evaluated: 2025-11-18. Review status: criteria provided, single submitter. Criteria: Ambry Variant Classification Scheme 2023. Collection method: clinical testing. Allele origin: germline.
Comment: The c.365C>T (p.P122L) alteration is located in exon 4 (coding exon 3) of the H3F3B gene. This alteration results from a C to T substitution at nucleotide position 365, causing the proline (P) at amino acid position 122 to be replaced by a leucine (L). This variant was not reported in population-based cohorts in the Genome Aggregation Database (gnomAD). This variant was determined to be de novo or the result of germline mosaicism in at least one individual with features consistent with H3-3B related Bryant-Li-Bhoj neurodevelopmental syndrome (Layo-Carris, 2024). This amino acid position is highly conserved in available vertebrate species. This missense alteration is located in a region that has a low rate of benign missense variation (Lek, 2016; Firth, 2009). The in silico prediction for this alteration is inconclusive. Based on the available evidence, this alteration is classified as likely pathogenic.

3billion
Classification: Likely pathogenic for Bryant-Li-Bhoj neurodevelopmental syndrome 2. Last evaluated: 2024-12-26. Review status: criteria provided, single submitter. Criteria: ACMG Guidelines, 2015. Collection method: clinical testing. Allele origin: germline. Affected: yes.
Comment: The variant is not observed in the gnomAD v4.1.0 dataset. Predicted Consequence/Location: Missense variant. Missense changes are a common disease-causing mechanism. In silico tool predictions suggest damaging effect of the variant on gene or gene product [3Cnet: 0.96 (> 0.75, sensitivity 0.96 and precision 0.92)]. A different missense change at the same codon (p.Pro122Arg) has been reported to be associated with H3-3B-related disorder (ClinVar ID: VCV001339274 /PMID: 31912665). Therefore, this variant is classified as Likely pathogenic according to the recommendation of ACMG/AMP guideline.

Literature cited by the submitters: PubMed 38678163 (cited by Ambry Genetics); PubMed 31912665 (cited by 3billion).